The following is an entry in ClinVar:

ClinVar aggregate classification (germline): Likely pathogenic (1 of 4 stars; one submission).

Conditions:
Hereditary angioedema type 1 (HAE1). Identifiers: Orphanet 100050, Orphanet 100051, Orphanet 91378, MedGen C2717906, MONDO:0015053, OMIM 106100.

Submission:

DNA-diagnostics Laboratory, Research Centre For Medical Genetics
Classification: Likely pathogenic for Hereditary angioedema type 1. Last evaluated: 2024-07-07. Review status: criteria provided, single submitter. Criteria: ACMG Guidelines, 2015. Collection method: research. Allele origin: germline. Inheritance: Autosomal dominant inheritance. Affected: yes. Observed: 3 variant alleles, 3 heterozygotes.
Comment: The pathogenic or likely pathogenic SERPING1 gene variants are detected in >90% of the HAE1/2 families and in >80% of the total HAE families (e.g., DOI: 10.1016/j.molimm.2008.05.007, 10.1159/2F000138883, 10.1016/j.molimm.2011.07.010). In our study, the heterozygous c.809C>A (p.Thr270Asn) variant in SERPING1 was observed in 2 HAE family with family HAE history and an unknown C1 esterase inhibitor level. Such in silico algorithms as BayesDel, MutPred, REVEL support a deleterious effect of the same variant with Moderate evidence of pathogenicity, when choosing at least two identical assessments and using the threshold ranges from ClinGen recommendations (DOI: 10.1016/j.ajhg.2022.10.013). In summary, the c.809C>A variant in SERPING1 meets ACMG/ClinGen SVI guidance criteria to be classified as likely pathogenic: PP3_Mod, PP4_Mod, PM2_Sup, PP1, PP2

NM_000062.3(SERPING1):c.809C>A (p.Thr270Asn)

Gene: SERPING1 (serpin family G member 1; plus strand). Cytogenetic location: 11q12.1.
Variant type: single nucleotide variant.
Coding change: c.809C>A on transcript NM_000062.3 (MANE Select); coding-DNA position 809, C replaced by A.
Protein change: p.Thr270Asn; replaces threonine 270 with asparagine.
Molecular consequence: missense variant.
Genome position (GRCh38, 1-based): chr11:57,606,133, C>A. VCF-style: chr11-57606133-C-A. GRCh37 (hg19) VCF-style: chr11-57373606-C-A.
Other names: c.809C>A, p.Thr270Asn (NM_001032295.2); short protein forms T270N.
Identifiers: ClinVar variation 3252006 (VCV003252006.4), dbSNP rs2495440966.